The following is an entry in ClinVar:

ClinVar aggregate classification (germline): Uncertain significance (1 of 4 stars; one submission).

Allele frequency attached by ClinVar (database versions not stated): ExAC 0.00001; gnomAD 0.00001; TOPMed 0.00001; 1000 Genomes Project 30x 0.00016; 1000 Genomes Project 0.00020.
gnomAD v4.1: 18 of 1,614,190 alleles (0.0011%); highest among the groups gnomAD compares: Admixed American, 0.0033%; no homozygotes.

Submission:

Ambry Genetics
Classification: Uncertain significance. Last evaluated: 2023-09-01. Review status: criteria provided, single submitter. Criteria: Ambry Variant Classification Scheme 2023. Collection method: clinical testing. Allele origin: germline.
Comment: The p.R286W variant (also known as c.856C>T), located in coding exon 6 of the PKP4 gene, results from a C to T substitution at nucleotide position 856. The arginine at codon 286 is replaced by tryptophan, an amino acid with dissimilar properties. This amino acid position is conserved. In addition, the in silico prediction for this alteration is inconclusive. Since supporting evidence is limited at this time, the clinical significance of this alteration remains unclear.

NM_003628.6(PKP4):c.856C>T (p.Arg286Trp)

Gene: PKP4 (plakophilin 4; plus strand). Cytogenetic location: 2q24.1.
Variant type: single nucleotide variant.
Coding change: c.856C>T on transcript NM_003628.6 (MANE Select); coding-DNA position 856, C replaced by T.
Protein change: p.Arg286Trp; replaces arginine 286 with tryptophan.
Molecular consequence: missense variant. On other transcripts: 5 prime UTR variant (1).
Genome position (GRCh38, 1-based): chr2:158,625,130, C>T. VCF-style: chr2-158625130-C-T. GRCh37 (hg19) VCF-style: chr2-159481642-C-T.
Other names: c.856C>T, p.Arg286Trp (NM_001005476.4, NM_001304969.3, NM_001304971.2 and 6 more transcripts); c.-171C>T (NM_001304970.3); c.850C>T, p.Arg284Trp (NM_001377222.1, NM_001377223.1, NM_001377224.1); short protein forms R284W, R286W.
Identifiers: ClinVar variation 2625290 (VCV002625290.2), dbSNP rs550760431, ClinGen allele CA1920540.
Genomic context (GRCh38, chr2:158,625,130, plus strand): 5'-TTACCTGCTGCACGGGCAGCCTCTCCGTACTCACAGAGACCCGCCTCCCCAACAGCTATA[C>T]GGCGGATTGGGTCAGTCACCTCCCGGCAGACCTCCAATCCCAACGGACCAACCCCTCAAT-3'
Protein context (NP_003619.2, residues 276-296): SQRPASPTAI[Arg286Trp]RIGSVTSRQT